The following is an entry in ClinVar:

NM_001025356.3(ANO6):c.2418C>T (p.Cys806=)

Gene: ANO6 (anoctamin 6; plus strand). Cytogenetic location: 12q12.
Variant type: single nucleotide variant.
Coding change: c.2418C>T on transcript NM_001025356.3 (MANE Select); coding-DNA position 2418, C replaced by T.
Protein change: p.Cys806=; no amino-acid change (cysteine 806 retained).
Molecular consequence: synonymous variant.
Genome position (GRCh38, 1-based): chr12:45,421,271, C>T. VCF-style: chr12-45421271-C-T. GRCh37 (hg19) VCF-style: chr12-45815054-C-T.
Other names: c.2364C>T, p.Cys788= (NM_001142678.2); c.2418C>T, p.Cys806= (NM_001142679.2); c.2481C>T, p.Cys827= (NM_001204803.2); c.2385C>T, p.Cys795= (NM_001410973.1); c.2418C>T (NM_001025356.2).
Identifiers: ClinVar variation 1988892 (VCV001988892.3), dbSNP rs374562590, ClinGen allele CA236405880.

ClinVar aggregate classification (germline): Uncertain significance. Review status: criteria provided, multiple submitters, no conflicts (2 of 4 stars). 2 submissions from 2 submitters: Uncertain significance (2). Last evaluated 2023-10-03.

Allele frequency attached by ClinVar (database versions not stated): gnomAD 0.00005; gnomAD exomes 0.00005; TOPMed 0.00005; ESP Exome Variant Server 0.00008.
gnomAD v4.1: 84 of 1,613,786 alleles (0.0052%); highest among the groups gnomAD compares: Non-Finnish European, 0.0064%; no homozygotes.

Submissions (2):

Labcorp Genetics (formerly Invitae), Labcorp
Classification: Uncertain significance. Last evaluated: 2023-10-03. Review status: criteria provided, single submitter. Criteria: Invitae Variant Classification Sherloc (09022015). Collection method: clinical testing. Allele origin: germline.
Comment: This sequence change affects codon 806 of the ANO6 mRNA. It is a 'silent' change, meaning that it does not change the encoded amino acid sequence of the ANO6 protein. This variant is present in population databases (rs374562590, gnomAD 0.006%). This variant has not been reported in the literature in individuals affected with ANO6-related conditions. ClinVar contains an entry for this variant (Variation ID: 1988892). Algorithms developed to predict the effect of sequence changes on RNA splicing suggest that this variant may disrupt the consensus splice site. In summary, the available evidence is currently insufficient to determine the role of this variant in disease. Therefore, it has been classified as a Variant of Uncertain Significance.

Women's Health and Genetics/Laboratory Corporation of America, LabCorp
Classification: Uncertain significance. Last evaluated: 2023-03-06. Review status: criteria provided, single submitter. Criteria: LabCorp Variant Classification Summary - May 2015. Collection method: clinical testing. Allele origin: germline.
Comment: Variant summary: ANO6 c.2418C>T (p.Cys806Cys) alters a conserved nucleotide located close to a canonical splice site and therefore could affect mRNA splicing, leading to a significantly altered protein sequence. 2/4 computational tools predict no significant impact of the variant on splicing, while 2 tools predict that it creates a cyrptic 5' splice donor site. However, these predictions have yet to be confirmed by functional studies. The variant allele was found at a frequency of 2.4e-05 in 250778 control chromosomes. The available data on variant occurrences in the general population are insufficient to allow any conclusion about variant significance. To our knowledge, no occurrence of c.2418C>T in individuals affected with Scott Syndrome and no experimental evidence demonstrating its impact on protein function have been reported. One submitter has provided a clinical-significance assessment for this variant to ClinVar after 2014, and classified the variant as uncertain significance. Based on the evidence outlined above, the variant was classified as uncertain significance.